The following is an entry in ClinVar:

ClinVar aggregate classification (germline): Uncertain significance. Review status: criteria provided, multiple submitters, no conflicts (2 of 4 stars). 2 submissions from 2 submitters: Uncertain significance (2). Last evaluated 2024-10-21.

Conditions:
Spondyloenchondrodysplasia with immune dysregulation (SPENCDI). Also called: ROIFMAN IMMUNOSKELETAL SYNDROME; COMBINED IMMUNODEFICIENCY WITH AUTOIMMUNITY AND SPONDYLOMETAPHYSEAL DYSPLASIA; SPONDYLOENCHONDRODYSPLASIA WITH OR WITHOUT IMMUNE DYSREGULATION. Identifiers: Orphanet 1855, MedGen C1842763, MONDO:0011939, OMIM 607944.

Submissions (2):

Labcorp Genetics (formerly Invitae), Labcorp
Classification: Uncertain significance for Spondyloenchondrodysplasia with immune dysregulation. Last evaluated: 2024-10-21. Review status: criteria provided, single submitter. Criteria: Invitae Variant Classification Sherloc (09022015). Collection method: clinical testing. Allele origin: germline.
Comment: This sequence change replaces histidine, which is basic and polar, with tyrosine, which is neutral and polar, at codon 140 of the ACP5 protein (p.His140Tyr). This variant is not present in population databases (gnomAD no frequency). This variant has not been reported in the literature in individuals affected with ACP5-related conditions. ClinVar contains an entry for this variant (Variation ID: 1465077). Invitae Evidence Modeling of protein sequence and biophysical properties (such as structural, functional, and spatial information, amino acid conservation, physicochemical variation, residue mobility, and thermodynamic stability) indicates that this missense variant is not expected to disrupt ACP5 protein function with a negative predictive value of 95%. In summary, the available evidence is currently insufficient to determine the role of this variant in disease. Therefore, it has been classified as a Variant of Uncertain Significance.

Women's Health and Genetics/Laboratory Corporation of America, LabCorp
Classification: Uncertain significance. Last evaluated: 2022-11-07. Review status: criteria provided, single submitter. Criteria: LabCorp Variant Classification Summary - May 2015. Collection method: clinical testing. Allele origin: germline.
Comment: Variant summary: ACP5 c.418C>T (p.His140Tyr) results in a conservative amino acid change located in the Calcineurin-like phosphoesterase domain, ApaH type domain (IPR004843) of the encoded protein sequence. Three of three in-silico tools predict a benign effect of the variant on protein function. The variant was absent in 250604 control chromosomes (gnomAD). The available data on variant occurrences in the general population are insufficient to allow any conclusion about variant significance. To our knowledge, no occurrence of c.418C>T in individuals affected with Spondyloenchondrodysplasia With Immune Dysregulation and no experimental evidence demonstrating its impact on protein function have been reported. One clinical diagnostic laboratory has submitted clinical-significance assessments for this variant to ClinVar after 2014 and classified the variant as uncertain significance. Based on the evidence outlined above, the variant was classified as uncertain significance.

NM_001611.5(ACP5):c.418C>T (p.His140Tyr)

Gene: ACP5 (acid phosphatase 5, tartrate resistant; minus strand). Cytogenetic location: 19p13.2.
Variant type: single nucleotide variant.
Coding change: c.418C>T on transcript NM_001611.5 (MANE Select); coding-DNA position 418, C replaced by T.
Protein change: p.His140Tyr; replaces histidine 140 with tyrosine.
Molecular consequence: missense variant.
Genome position (GRCh38, 1-based): chr19:11,576,560, G>A on the plus strand (C>T on the coding strand, the complement: ACP5 is on the minus strand). VCF-style: chr19-11576560-G-A. GRCh37 (hg19) VCF-style: chr19-11687375-G-A.
Other names: c.418C>T, p.His140Tyr (NM_001111034.3, NM_001111035.3, NM_001111036.3 and 1 more transcripts); short protein forms H140Y.
Identifiers: ClinVar variation 1465077 (VCV001465077.9), dbSNP rs2145089608, ClinGen allele CA404147150.